The following is an entry in ClinVar:

ClinVar aggregate classification (germline): Uncertain significance. Review status: criteria provided, multiple submitters, no conflicts (2 of 4 stars). 2 submissions from 2 submitters: Uncertain significance (2). Last evaluated 2020-03-20.

Conditions:
Intellectual disability. Also called: Intellectual functioning disability; intellectual disabilities; Intellectual developmental disorder. Identifiers: MedGen C3714756, MeSH D008607, MONDO:0001071, HP:0001249.

Submissions (2):

Cambridge Genomics Laboratory, East Genomic Laboratory Hub, NHS Genomic Medicine Service
Classification: Uncertain significance for Intellectual disability. Last evaluated: 2020-03-20. Review status: criteria provided, single submitter. Criteria: ACGS Best Practice Guidelines for Variant Classification in Rare Disease 2020. Collection method: clinical testing. Allele origin: germline. Affected: yes. Observed: 1 variant allele.

GeneDx
Classification: Uncertain significance. Last evaluated: 2015-11-11. Review status: criteria provided, single submitter. Criteria: GeneDx Variant Classification (06012015). Collection method: clinical testing. Allele origin: germline. Affected: yes.
Comment: The D3999N variant in the DYNC1H1 gene has not been reported previously as a pathogenic variant, nor as a benign variant, to our knowledge. The D399N variant was not observed in approximately 6,500 individuals of European and African American ancestry in the NHLBI Exome Sequencing Project, indicating it is not a common benign variant in these populations. The D3999N variant is a semi-conservative amino acid substitution, which may impact secondary protein structure as these residues differ in some properties. This substitution occurs at a position that is conserved across species. In silico analysis predicts this variant is probably damaging to the protein structure/function. We interpret D3999N as a variant of uncertain significance.

NM_001376.5(DYNC1H1):c.11995G>A (p.Asp3999Asn)

Gene: DYNC1H1 (dynein cytoplasmic 1 heavy chain 1; plus strand). Cytogenetic location: 14q32.31.
Variant type: single nucleotide variant.
Coding change: c.11995G>A on transcript NM_001376.5 (MANE Select); coding-DNA position 11995, G replaced by A.
Protein change: p.Asp3999Asn; replaces aspartic acid 3999 with asparagine.
Molecular consequence: missense variant.
Genome position (GRCh38, 1-based): chr14:102,041,627, G>A. VCF-style: chr14-102041627-G-A. GRCh37 (hg19) VCF-style: chr14-102507964-G-A.
Other names: short protein forms D3999N.
Identifiers: ClinVar variation 246112 (VCV000246112.3), dbSNP rs879254105, ClinGen allele CA10584475.